The following is an entry in ClinVar:

ClinVar aggregate classification (germline): Benign (0 of 4 stars; one submission).

Conditions:
BMS1-related disorder. Also called: BMS1-related condition.

Allele frequency attached by ClinVar (database versions not stated): TOPMed 0.00005; ESP Exome Variant Server 0.00008; gnomAD 0.00023; gnomAD exomes 0.00040; ExAC 0.00098; 1000 Genomes Project 0.00140; 1000 Genomes Project 30x 0.00141.
gnomAD v4.1: 606 of 1,614,258 alleles (0.038%); highest among the groups gnomAD compares: South Asian, 0.65%; 8 homozygotes.

Submission:

PreventionGenetics, part of Exact Sciences
Classification: Benign for BMS1-related condition. Last evaluated: 2019-05-08. Review status: no assertion criteria provided. Collection method: clinical testing. Allele origin: germline.
Comment: This variant is classified as benign based on ACMG/AMP sequence variant interpretation guidelines (Richards et al. 2015 PMID: 25741868, with internal and published modifications).

NM_014753.4(BMS1):c.1749A>G (p.Thr583=)

Gene: BMS1 (BMS1 ribosome biogenesis factor; plus strand). Cytogenetic location: 10q11.21.
Variant type: single nucleotide variant.
Coding change: c.1749A>G on transcript NM_014753.4 (MANE Select); coding-DNA position 1749, A replaced by G.
Protein change: p.Thr583=; no amino-acid change (threonine 583 retained).
Molecular consequence: synonymous variant.
Genome position (GRCh38, 1-based): chr10:42,796,993, A>G. VCF-style: chr10-42796993-A-G. GRCh37 (hg19) VCF-style: chr10-43292441-A-G.
Identifiers: ClinVar variation 3042032 (VCV003042032.2), dbSNP rs368223833, ClinGen allele CA5475821.